The following is an entry in ClinVar:

ClinVar aggregate classification (germline): Uncertain significance (0 of 4 stars; one submission).

Conditions:
PKD1-related disorder. Also called: PKD1-related condition.

gnomAD v4.1: 3 of 1,612,654 alleles (0.00019%); highest among the groups gnomAD compares: Admixed American, 0.0033%; no homozygotes.

Submission:

PreventionGenetics, part of Exact Sciences
Classification: Uncertain significance for PKD1-related condition. Last evaluated: 2024-04-09. Review status: no assertion criteria provided. Collection method: clinical testing. Allele origin: germline.
Comment: The PKD1 c.12326G>A variant is predicted to result in the amino acid substitution p.Arg4109His. To our knowledge, this variant has not been reported in the literature. This variant is reported in 0.0058% of alleles in individuals of Latino descent in gnomAD. At this time, the clinical significance of this variant is uncertain due to the absence of conclusive functional and genetic evidence.

NM_001009944.3(PKD1):c.12326G>A (p.Arg4109His)

Gene: PKD1 (polycystin 1, transient receptor potential channel interacting; minus strand). Cytogenetic location: 16p13.3.
Variant type: single nucleotide variant.
Coding change: c.12326G>A on transcript NM_001009944.3 (MANE Select); coding-DNA position 12326, G replaced by A.
Protein change: p.Arg4109His; replaces arginine 4109 with histidine.
Molecular consequence: missense variant.
Genome position (GRCh38, 1-based): chr16:2,090,403, C>T on the plus strand (G>A on the coding strand, the complement: PKD1 is on the minus strand). VCF-style: chr16-2090403-C-T. GRCh37 (hg19) VCF-style: chr16-2140404-C-T.
Other names: c.12323G>A, p.Arg4108His (NM_000296.4); short protein forms R4108H, R4109H.
Identifiers: ClinVar variation 3345572 (VCV003345572.1).